The following is an entry in ClinVar:

NC_000001.10:g.(?_63119376)_(63128821_?)del

Gene: DOCK7 (dedicator of cytokinesis 7; minus strand). Cytogenetic location: 1p31.3.
Variant type: Deletion.
Identifiers: ClinVar variation 1439523 (VCV001439523.8).

ClinVar aggregate classification (germline): Uncertain significance (1 of 4 stars; one submission).

Conditions:
Developmental and epileptic encephalopathy, 23 (DEE23). Also called: Epileptic encephalopathy, early infantile, 23. Identifiers: Orphanet 411986, MedGen C4014492, MONDO:0014371, OMIM 615859.

Submission:

Labcorp Genetics (formerly Invitae), Labcorp
Classification: Uncertain significance for Developmental and epileptic encephalopathy, 23. Last evaluated: 2023-10-03. Review status: criteria provided, single submitter. Criteria: Invitae Variant Classification Sherloc (09022015). Collection method: clinical testing. Allele origin: germline.
Comment: This variant is a gross deletion of the genomic region encompassing exon(s) 2-4 of the DOCK7 gene. This variant would be expected to be in-frame, preserving the integrity of the reading frame. This variant has not been reported in the literature in individuals affected with DOCK7-related conditions. Experimental studies and prediction algorithms are not available or were not evaluated, and the functional significance of this variant is currently unknown. In summary, the available evidence is currently insufficient to determine the role of this variant in disease. Therefore, it has been classified as a Variant of Uncertain Significance.